The following is an entry in ClinVar:

NM_020937.4(FANCM):c.2617G>A (p.Gly873Ser)

Gene: FANCM (FA complementation group M; plus strand). Cytogenetic location: 14q21.2.
Variant type: single nucleotide variant.
Coding change: c.2617G>A on transcript NM_020937.4 (MANE Select); coding-DNA position 2617, G replaced by A.
Protein change: p.Gly873Ser; replaces glycine 873 with serine.
Molecular consequence: missense variant.
Genome position (GRCh38, 1-based): chr14:45,175,371, G>A. VCF-style: chr14-45175371-G-A. GRCh37 (hg19) VCF-style: chr14-45644574-G-A.
Other names: c.2539G>A, p.Gly847Ser (NM_001308133.2); short protein forms G847S, G873S.
Identifiers: ClinVar variation 1319683 (VCV001319683.8), dbSNP rs538729337, ClinGen allele CA7169379.
Genomic context (GRCh38, chr14:45,175,371, plus strand): 5'-TTAAAGAAAAAAGTGTCTAAAGAAATAAAAAAAGATCAGCTTAAAAAAGAAAATAATCAC[G>A]GTATTATAGATTCTGTAGATAATGACAGAAATTCCACTGTTGAAAATATTTTTCAAGAAG-3'
Protein context (NP_065988.1, residues 863-883): KDQLKKENNH[Gly873Ser]IIDSVDNDRN

ClinVar aggregate classification (germline): Uncertain significance. Review status: criteria provided, multiple submitters, no conflicts (2 of 4 stars). 3 submissions from 3 submitters: Uncertain significance (3). Last evaluated 2022-11-01.

Conditions:
Fanconi anemia (FA). Also called: Fanconi's anemia. Identifiers: Orphanet 84, MedGen C0015625, MeSH D005199, MONDO:0019391.

Allele frequency attached by ClinVar (database versions not stated): gnomAD exomes below 0.00001; gnomAD 0.00001; ExAC 0.00002; 1000 Genomes Project 30x 0.00016; 1000 Genomes Project 0.00020.
gnomAD v4.1: 8 of 1,559,248 alleles (0.00051%); highest among the groups gnomAD compares: East Asian, 0.0022%; no homozygotes.

Submissions (3):

GeneDx
Classification: Uncertain significance. Last evaluated: 2022-11-01. Review status: criteria provided, single submitter. Criteria: GeneDx Variant Classification Process June 2021. Collection method: clinical testing. Allele origin: germline. Affected: yes.
Comment: Not observed at significant frequency in large population cohorts (gnomAD); In silico analysis supports that this missense variant does not alter protein structure/function; Has not been previously published as pathogenic or benign to our knowledge

Institute for Clinical Genetics, University Hospital TU Dresden, University Hospital TU Dresden
Classification: Uncertain significance. Last evaluated: 2021-11-03. Review status: criteria provided, single submitter. Criteria: ACMG Guidelines, 2015. Collection method: clinical testing. Allele origin: germline.

Labcorp Genetics (formerly Invitae), Labcorp
Classification: Uncertain significance for Fanconi anemia. Last evaluated: 2021-08-14. Review status: criteria provided, single submitter. Criteria: Invitae Variant Classification Sherloc (09022015). Collection method: clinical testing. Allele origin: germline.
Comment: This sequence change replaces glycine with serine at codon 873 of the FANCM protein (p.Gly873Ser). The glycine residue is weakly conserved and there is a small physicochemical difference between glycine and serine. This variant is present in population databases (rs538729337, ExAC 0.006%). This variant has not been reported in the literature in individuals affected with FANCM-related conditions. Algorithms developed to predict the effect of missense changes on protein structure and function output the following: SIFT: "Tolerated"; PolyPhen-2: "Benign"; Align-GVGD: "Class C0". The serine amino acid residue is found in multiple mammalian species, which suggests that this missense change does not adversely affect protein function. In summary, the available evidence is currently insufficient to determine the role of this variant in disease. Therefore, it has been classified as a Variant of Uncertain Significance.